The following is an entry in ClinVar:

NM_013296.5(GPSM2):c.1199G>A (p.Arg400His)

Gene: GPSM2 (G protein signaling modulator 2; plus strand). Cytogenetic location: 1p13.3.
Variant type: single nucleotide variant.
Coding change: c.1199G>A on transcript NM_013296.5 (MANE Select); coding-DNA position 1199, G replaced by A.
Protein change: p.Arg400His; replaces arginine 400 with histidine.
Molecular consequence: missense variant.
Genome position (GRCh38, 1-based): chr1:108,914,344, G>A. VCF-style: chr1-108914344-G-A. GRCh37 (hg19) VCF-style: chr1-109456966-G-A.
Other names: c.1199G>A, p.Arg400His (NM_001321038.2, NM_001321039.3); short protein forms R400H.
Identifiers: ClinVar variation 2070145 (VCV002070145.4), dbSNP rs754166364, ClinGen allele CA982996.

ClinVar aggregate classification (germline): Uncertain significance. Review status: criteria provided, multiple submitters, no conflicts (2 of 4 stars). 2 submissions from 2 submitters: Uncertain significance (2). Last evaluated 2024-07-16.

Allele frequency attached by ClinVar (database versions not stated): ExAC 0.00002; TOPMed 0.00002; gnomAD exomes 0.00003; gnomAD 0.00007.
gnomAD v4.1: 61 of 1,608,634 alleles (0.0038%); highest among the groups gnomAD compares: Middle Eastern, 0.2%; no homozygotes.

Submissions (2):

Blueprint Genetics
Classification: Uncertain significance. Last evaluated: 2024-07-16. Review status: criteria provided, single submitter. Criteria: ACMG Guidelines, 2015. Collection method: clinical testing. Allele origin: germline.

Labcorp Genetics (formerly Invitae), Labcorp
Classification: Uncertain significance. Last evaluated: 2021-12-30. Review status: criteria provided, single submitter. Criteria: Invitae Variant Classification Sherloc (09022015). Collection method: clinical testing. Allele origin: germline.
Comment: This sequence change replaces arginine, which is basic and polar, with histidine, which is basic and polar, at codon 400 of the GPSM2 protein (p.Arg400His). This variant is present in population databases (rs754166364, gnomAD 0.007%). This variant has not been reported in the literature in individuals affected with GPSM2-related conditions. Algorithms developed to predict the effect of missense changes on protein structure and function are either unavailable or do not agree on the potential impact of this missense change (SIFT: "Tolerated"; PolyPhen-2: "Possibly Damaging"; Align-GVGD: "Class C0"). In summary, the available evidence is currently insufficient to determine the role of this variant in disease. Therefore, it has been classified as a Variant of Uncertain Significance.